The following is an entry in ClinVar:

ClinVar aggregate classification (germline): Likely pathogenic (1 of 4 stars; one submission).

Conditions:
Adams-Oliver syndrome 2 (AOS2). Identifiers: Orphanet 974, MedGen C3280182, MONDO:0013635, OMIM 614219.

Allele frequency attached by ClinVar (database versions not stated): gnomAD 0.00001; ExAC 0.00002.
gnomAD v4.1: 3 of 1,595,548 alleles (0.00019%); highest among the groups gnomAD compares: Admixed American, 0.0018%; no homozygotes.

Submissions (2):

Dubai Health Genomic Medicine Center, Dubai Health
Classification: Likely pathogenic for Adams-Oliver syndrome 2. Last evaluated: 2024-10-04. Review status: criteria provided, single submitter. Criteria: ACMG Guidelines, 2015. Collection method: research. Allele origin: germline. Affected: yes.
Comment: PVS1, PM2

Dr. Peter K. Rogan Lab, Western University
No classification provided (evidence only). Condition: Nonpapillary renal cell carcinoma. Review status: no classification provided. Collection method: in vitro. Allele origin: not applicable. Functional consequence: cryptic splice site, retained intron. Not counted in ClinVar's aggregate classification.

NM_020812.4(DOCK6):c.3241-1G>A

Gene: DOCK6 (dedicator of cytokinesis 6; minus strand). Cytogenetic location: 19p13.2.
Variant type: single nucleotide variant.
Coding change: c.3241-1G>A on transcript NM_020812.4 (MANE Select); the canonical splice acceptor site of the intron before coding-DNA position 3241, G replaced by A.
Molecular consequence: splice acceptor variant.
Genome position (GRCh38, 1-based): chr19:11,222,249, C>T on the plus strand (G>A on the coding strand, the complement: DOCK6 is on the minus strand). VCF-style: chr19-11222249-C-T. GRCh37 (hg19) VCF-style: chr19-11332925-C-T.
Other names: NC_000019.9:g.11332925C>T; c.3346-1G>A (NM_001367830.1).
Identifiers: ClinVar variation 1810235 (VCV001810235.3), dbSNP rs538506091, ClinGen allele CA9207312.
Genomic context (GRCh38, chr19:11,222,249, plus strand): 5'-ACTCAGTTCGAACATGCTGGTCACCTTGGGGTCCGGGGCTTGGCTGGAGAAGGTGGAGCT[C>T]TGCAGAGTGGGGGAAAAATGGGGGATGCCAGCGGTCAAGGGTCAGAGGTGGCAGGTCACC-3'